The following is an entry in ClinVar:

ClinVar aggregate classification (germline): Pathogenic (1 of 4 stars; one submission).

Conditions:
Alpha-1-antitrypsin deficiency (A1ATD). Also called: Alpha1-Antitrypsin Deficiency; AAT deficiency; A1AT deficiency. Identifiers: Orphanet 60, MedGen C0221757, MONDO:0013282, OMIM 613490.

Submission:

Labcorp Genetics (formerly Invitae), Labcorp
Classification: Pathogenic for Alpha-1-antitrypsin deficiency. Last evaluated: 2020-12-25. Review status: criteria provided, single submitter. Criteria: Invitae Variant Classification Sherloc (09022015). Collection method: clinical testing. Allele origin: germline.
Comment: For these reasons, this variant has been classified as Pathogenic. This variant has been observed as heterozygous in an individual with cough, dyspnea, wheeze, and asthma (PMID: 25425243). ClinVar contains an entry for this variant (Variation ID: 632223). This variant is not present in population databases (ExAC no frequency). This sequence change creates a premature translational stop signal (p.Thr204Serfs*11) in the SERPINA1 gene. It is expected to result in an absent or disrupted protein product. Loss-of-function variants in SERPINA1 are known to be pathogenic (PMID: 25425243).

Literature cited by the submitters: PubMed 25425243.

NM_000295.5(SERPINA1):c.611_612del (p.Thr204fs)

Gene: SERPINA1 (serpin family A member 1; minus strand). Cytogenetic location: 14q32.13.
Variant type: Microsatellite.
Coding change: c.611_612del on transcript NM_000295.5 (MANE Select); coding-DNA positions 611 to 612, 2 bases deleted (CA; older notation c.611_612delCA).
Protein change: p.Thr204fs; shifts the reading frame from threonine 204.
Molecular consequence: frameshift variant.
Genome position (GRCh38, 1-based): chr14:94,382,626-94,382,627, TG deleted on the plus strand (CA on the coding strand, the reverse complement: SERPINA1 is on the minus strand); deleting any 2 consecutive bases within chr14:94,382,626-94,382,630 gives the same sequence; the c. name uses the placement nearest the transcript's 3' end. VCF-style (leftmost placement, unchanged base first): chr14-94382625-CTG-C. GRCh37 (hg19) VCF-style: chr14-94848962-CTG-C.
Other names: c.611_612del, p.Thr204fs (NM_001002235.3, NM_001002236.3, NM_001127700.2 and 7 more transcripts); short protein forms T204fs.
Identifiers: ClinVar variation 632223 (VCV000632223.16), dbSNP rs921982028, ClinGen allele CA265864097.